The following is an entry in ClinVar:

NM_001080421.3(UNC13A):c.946C>T (p.Arg316Cys)

Gene: UNC13A (unc-13 homolog A; minus strand). Cytogenetic location: 19p13.11.
Variant type: single nucleotide variant.
Coding change: c.946C>T on transcript NM_001080421.3 (MANE Select); coding-DNA position 946, C replaced by T.
Protein change: p.Arg316Cys; replaces arginine 316 with cysteine.
Molecular consequence: missense variant.
Genome position (GRCh38, 1-based): chr19:17,656,220, G>A on the plus strand (C>T on the coding strand, the complement: UNC13A is on the minus strand). VCF-style: chr19-17656220-G-A. GRCh37 (hg19) VCF-style: chr19-17767029-G-A.
Other names: c.946C>T, p.Arg316Cys (NM_001387021.1, NM_001387022.1, NM_001387023.1); short protein forms R316C.
Identifiers: ClinVar variation 3186472 (VCV003186472.2), dbSNP rs1021817670, ClinGen allele CA306109938.

ClinVar aggregate classification (germline): Uncertain significance. Review status: criteria provided, single submitter (1 of 4 stars). 2 submissions from 2 submitters: Uncertain significance (1). 1 of the submissions does not count toward it. Last evaluated 2023-12-11.

Conditions:
UNC13A-related disorder. Also called: UNC13A-related condition.

Allele frequency attached by ClinVar (database versions not stated): gnomAD 0.00001; TOPMed 0.00001.

Submissions (2):

Ambry Genetics
Classification: Uncertain significance. Last evaluated: 2023-12-11. Review status: criteria provided, single submitter. Criteria: Ambry Variant Classification Scheme 2023. Collection method: clinical testing. Allele origin: germline.

PreventionGenetics, part of Exact Sciences
Classification: Uncertain significance for UNC13A-related condition. Last evaluated: 2024-04-04. Review status: no assertion criteria provided. Collection method: clinical testing. Allele origin: germline. Not counted in ClinVar's aggregate classification.
Comment: The UNC13A c.946C>T variant is predicted to result in the amino acid substitution p.Arg316Cys. To our knowledge, this variant has not been reported in the literature. This variant is reported in 0.0040% of alleles in individuals of Latino descent in gnomAD. At this time, the clinical significance of this variant is uncertain due to the absence of conclusive functional and genetic evidence.